The following is an entry in ClinVar:

ClinVar aggregate classification (germline): Pathogenic (1 of 4 stars; one submission).

Allele frequency attached by ClinVar (database versions not stated): TOPMed below 0.00001; gnomAD 0.00001; gnomAD exomes below 0.00001.

Submission:

Labcorp Genetics (formerly Invitae), Labcorp
Classification: Pathogenic. Last evaluated: 2025-04-13. Review status: criteria provided, single submitter. Criteria: Invitae Variant Classification Sherloc (09022015). Collection method: clinical testing. Allele origin: germline.
Comment: This variant, c.1661_1687del, is a complex sequence change that results in the deletion of 10 and insertion of 1 amino acid(s) in the WFS1 protein (p.Leu554_Tyr563delinsHis). This variant is not present in population databases (gnomAD no frequency). This variant has been observed in individual(s) with autosomal recessive Wolfram syndrome (PMID: 15605410). In at least one individual the data is consistent with being in trans (on the opposite chromosome) from a pathogenic variant. ClinVar contains an entry for this variant (Variation ID: 2418917). This variant disrupts a region of the WFS1 protein in which other variant(s) (p.Arg558His) have been determined to be pathogenic (PMID: 12754709, 15277431, 31567480). This suggests that this is a clinically significant region of the protein, and that variants that disrupt it are likely to be disease-causing. For these reasons, this variant has been classified as Pathogenic.

Literature cited by the submitters: PubMed 15605410; PubMed 12754709; PubMed 15277431; PubMed 31567480.

NM_006005.3(WFS1):c.1661_1687del (p.Leu554_Tyr563delinsHis)

Gene: WFS1 (wolframin ER transmembrane glycoprotein; plus strand). Cytogenetic location: 4p16.1.
Variant type: Deletion.
Coding change: c.1661_1687del on transcript NM_006005.3 (MANE Select); coding-DNA positions 1661 to 1687, 27 bases deleted (TGGGGCTGCTCCGCGCCTCCATCGGCT).
Protein change: p.Leu554_Tyr563delinsHis.
Molecular consequence: inframe indel.
Genome position (GRCh38, 1-based): chr4:6,301,456-6,301,482, TGGGGCTGCTCCGCGCCTCCATCGGCT deleted. VCF-style (leftmost placement, unchanged base first): chr4-6301455-CTGGGGCTGCTCCGCGCCTCCATCGGCT-C. GRCh37 (hg19) VCF-style: chr4-6303182-CTGGGGCTGCTCCGCGCCTCCATCGGCT-C.
Other names: c.1661_1687del, p.Leu554_Tyr563delinsHis (NM_001145853.1).
Identifiers: ClinVar variation 2418917 (VCV002418917.6), dbSNP rs1730907876, ClinGen allele CA1058891765.
Genomic context (GRCh38, chr4:6,301,455, plus strand): 5'-TACCTGGTGTGCTTCATGTGGTGTGAGCTCTCCGTGGTCATCCTGCTGGAGTCCACCGGC[CTGGGGCTGCTCCGCGCCTCCATCGGCT>C]ACTTCCTCTTCCTCTTTGCCCTCCCCATCCTGGTGGCCGGCCTGGCCCTGGTGGGCGTGC-3'